The following is an entry in ClinVar:

ClinVar aggregate classification (germline): Benign (1 of 4 stars; one submission).

Allele frequency attached by ClinVar (database versions not stated): 1000 Genomes Project 0.00120; 1000 Genomes Project 30x 0.00141; ExAC 0.00410; gnomAD 0.00459; TOPMed 0.00492.
gnomAD v4.1: 10,381 of 1,549,912 alleles (0.67%); highest among the groups gnomAD compares: Non-Finnish European, 0.78%; 49 homozygotes.

Submission:

CeGaT Center for Human Genetics Tuebingen
Classification: Benign. Last evaluated: 2022-07-01. Review status: criteria provided, single submitter. Criteria: CeGaT Center For Human Genetics Tuebingen Variant Classification Criteria Version 2. Collection method: clinical testing. Allele origin: germline. Affected: yes. Observed: 1 variant allele.
Comment: RCAN2: BP4, BS1, BS2

NM_001251974.2(RCAN2):c.12A>C (p.Glu4Asp)

Gene: RCAN2 (regulator of calcineurin 2; minus strand). Cytogenetic location: 6p12.3.
Variant type: single nucleotide variant.
Coding change: c.12A>C on transcript NM_001251974.2 (MANE Select); coding-DNA position 12, A replaced by C.
Protein change: p.Glu4Asp; replaces glutamic acid 4 with aspartic acid.
Molecular consequence: missense variant.
Genome position (GRCh38, 1-based): chr6:46,456,965, T>G on the plus strand (A>C on the coding strand, the complement: RCAN2 is on the minus strand). VCF-style: chr6-46456965-T-G. GRCh37 (hg19) VCF-style: chr6-46424702-T-G.
Other names: c.12A>C, p.Glu4Asp (NM_001251973.2); short protein forms E4D.
Identifiers: ClinVar variation 2656618 (VCV002656618.24), dbSNP rs191756237, ClinGen allele CA3837742.